The following is an entry in ClinVar:

NM_001330588.2(TPP2):c.1504A>T (p.Ile502Phe)

Gene: TPP2 (tripeptidyl peptidase 2; plus strand). Cytogenetic location: 13q33.1.
Variant type: single nucleotide variant.
Coding change: c.1504A>T on transcript NM_001330588.2 (MANE Select); coding-DNA position 1504, A replaced by T.
Protein change: p.Ile502Phe; replaces isoleucine 502 with phenylalanine.
Molecular consequence: missense variant. On other transcripts: non-coding transcript variant (1).
Genome position (GRCh38, 1-based): chr13:102,635,697, A>T. VCF-style: chr13-102635697-A-T. GRCh37 (hg19) VCF-style: chr13-103288047-A-T.
Other names: c.1504A>T, p.Ile502Phe (NM_001367947.1, NM_003291.4); short protein forms I502F.
Identifiers: ClinVar variation 1381495 (VCV001381495.8), dbSNP rs2139504603, ClinGen allele CA388487153.

ClinVar aggregate classification (germline): Uncertain significance (1 of 4 stars; one submission).

Conditions:
Evans syndrome, immunodeficiency, and premature immunosenescence associated with tripeptidyl-peptidase II deficiency. Identifiers: MedGen CN231723. Disease mechanism: loss of function.

Submission:

Labcorp Genetics (formerly Invitae), Labcorp
Classification: Uncertain significance for Evans syndrome, immunodeficiency, and premature immunosenescence associated with tripeptidyl-peptidase II deficiency. Last evaluated: 2021-03-25. Review status: criteria provided, single submitter. Criteria: Invitae Variant Classification Sherloc (09022015). Collection method: clinical testing. Allele origin: germline.
Comment: In summary, the available evidence is currently insufficient to determine the role of this variant in disease. Therefore, it has been classified as a Variant of Uncertain Significance. Algorithms developed to predict the effect of missense changes on protein structure and function are either unavailable or do not agree on the potential impact of this missense change (SIFT: "Deleterious"; PolyPhen-2: "Probably Damaging"; Align-GVGD: "Class C0"). This variant has not been reported in the literature in individuals with TPP2-related conditions. This variant is not present in population databases (ExAC no frequency). This sequence change replaces isoleucine with phenylalanine at codon 502 of the TPP2 protein (p.Ile502Phe). The isoleucine residue is highly conserved and there is a small physicochemical difference between isoleucine and phenylalanine.